The following is an entry in ClinVar:

ClinVar aggregate classification (germline): Likely pathogenic (1 of 4 stars; one submission).

Conditions:
Methylmalonic aciduria and homocystinuria type cblF. Also called: COBALAMIN F DISEASE; COBALAMIN, DEFECT IN LYSOSOMAL RELEASE OF; METHYLMALONIC ACIDEMIA AND HOMOCYSTINURIA, cblF TYPE; METHYLMALONIC ACIDURIA DUE TO VITAMIN B12-RELEASE DEFECT; VITAMIN B12 LYSOSOMAL RELEASE DEFECT; VITAMIN B12 STORAGE DISEASE. Identifiers: Orphanet 79284, MedGen C1848578, MONDO:0010183, OMIM 277380.

Submission:

Genetics Laboratory, Department of Biology, Semnan University
Classification: Likely pathogenic for Methylmalonic aciduria and homocystinuria type cblF. Last evaluated: 2021-04-26. Review status: criteria provided, single submitter. Criteria: ACMG Guidelines, 2015. Collection method: research. Allele origin: germline. Inheritance: Autosomal recessive inheritance. Affected: no. Observed: 1 variant allele, 1 heterozygote.
Comment: The identified variant leads to the Deletion of Nucleotide C at position 994 of LMBRD1 gene CDS leading to frameshift of coding sequence. Hence, this substitution could alter the amino acid sequence and could leads to a decreased or loss of function of mutated protein.

Literature cited by the submitters: DOI 10.1038/s10038-025-01320-6.

NM_018368.4(LMBRD1):c.994del (p.Leu332fs)

Gene: LMBRD1 (LMBR1 domain containing 1; minus strand). Cytogenetic location: 6q13.
Variant type: Deletion.
Coding change: c.994del on transcript NM_018368.4 (MANE Select); coding-DNA position 994, one base deleted (C; older notation c.994delC).
Protein change: p.Leu332fs; shifts the reading frame from leucine 332.
Molecular consequence: frameshift variant.
Genome position (GRCh38, 1-based): chr6:69,701,532, G deleted on the plus strand (C on the coding strand, the reverse complement: LMBRD1 is on the minus strand). VCF-style (leftmost placement, unchanged base first): chr6-69701531-AG-A. GRCh37 (hg19) VCF-style: chr6-70411423-AG-A.
Other names: c.775del, p.Leu259fs (NM_001363722.2, NM_001367271.1, NM_001367272.1); c.994delC (NM_018368.4); short protein forms L259fs, L332fs.
Identifiers: ClinVar variation 4886876 (VCV004886876.1).